The following is an entry in ClinVar:

ClinVar aggregate classification (germline): Uncertain significance (1 of 4 stars; one submission).

Submission:

Labcorp Genetics (formerly Invitae), Labcorp
Classification: Uncertain significance. Last evaluated: 2019-10-22. Review status: criteria provided, single submitter. Criteria: Invitae Variant Classification Sherloc (09022015). Collection method: clinical testing. Allele origin: germline.
Comment: In summary, the available evidence is currently insufficient to determine the role of this variant in disease. Therefore, it has been classified as a Variant of Uncertain Significance. Algorithms developed to predict the effect of missense changes on protein structure and function (SIFT, PolyPhen-2, Align-GVGD) all suggest that this variant is likely to be tolerated, but these predictions have not been confirmed by published functional studies and their clinical significance is uncertain. This variant has not been reported in the literature in individuals with PRPF6-related conditions. This variant is not present in population databases (ExAC no frequency). This sequence change replaces glutamic acid with glycine at codon 895 of the PRPF6 protein (p.Glu895Gly). The glutamic acid residue is moderately conserved and there is a moderate physicochemical difference between glutamic acid and glycine.

NM_012469.4(PRPF6):c.2684A>G (p.Glu895Gly)

Gene: PRPF6 (pre-mRNA processing factor 6; plus strand). Cytogenetic location: 20q13.33.
Variant type: single nucleotide variant.
Coding change: c.2684A>G on transcript NM_012469.4 (MANE Select); coding-DNA position 2684, A replaced by G.
Protein change: p.Glu895Gly; replaces glutamic acid 895 with glycine.
Molecular consequence: missense variant.
Genome position (GRCh38, 1-based): chr20:64,032,851, A>G. VCF-style: chr20-64032851-A-G. GRCh37 (hg19) VCF-style: chr20-62664204-A-G.
Other names: short protein forms E895G.
Identifiers: ClinVar variation 955361 (VCV000955361.9), dbSNP rs2059321603, ClinGen allele CA409747838.